The following is an entry in ClinVar:

NM_019594.4(LRRC8A):c.1459G>A (p.Ala487Thr)

Gene: LRRC8A (leucine rich repeat containing 8 VRAC subunit A; plus strand). Cytogenetic location: 9q34.11.
Variant type: single nucleotide variant.
Coding change: c.1459G>A on transcript NM_019594.4 (MANE Select); coding-DNA position 1459, G replaced by A.
Protein change: p.Ala487Thr; replaces alanine 487 with threonine.
Molecular consequence: missense variant.
Genome position (GRCh38, 1-based): chr9:128,908,623, G>A. VCF-style: chr9-128908623-G-A. GRCh37 (hg19) VCF-style: chr9-131670902-G-A.
Other names: c.1459G>A, p.Ala487Thr (NM_001127244.2, NM_001127245.2); short protein forms A487T.
Identifiers: ClinVar variation 4709262 (VCV004709262.1).

ClinVar aggregate classification (germline): Uncertain significance (1 of 4 stars; one submission).

gnomAD v4.1: 14 of 1,612,516 alleles (0.00087%); highest among the groups gnomAD compares: South Asian, 0.0077%; no homozygotes.

Submission:

Labcorp Genetics (formerly Invitae), Labcorp
Classification: Uncertain significance. Last evaluated: 2025-08-22. Review status: criteria provided, single submitter. Criteria: Invitae Variant Classification Sherloc (09022015). Collection method: clinical testing. Allele origin: germline.
Comment: This sequence change replaces alanine, which is neutral and non-polar, with threonine, which is neutral and polar, at codon 487 of the LRRC8A protein (p.Ala487Thr). This variant is present in population databases (rs772074379, gnomAD 0.007%). This variant has not been reported in the literature in individuals affected with LRRC8A-related conditions. An algorithm developed to predict the effect of missense changes on protein structure and function (PolyPhen-2) suggests that this variant is likely to be disruptive. In summary, the available evidence is currently insufficient to determine the role of this variant in disease. Therefore, it has been classified as a Variant of Uncertain Significance.